The following is an entry in ClinVar:

NM_020911.2(PLXNA4):c.3881C>T (p.Ala1294Val)

Gene: PLXNA4 (plexin A4; minus strand). Cytogenetic location: 7q32.3.
Variant type: single nucleotide variant.
Coding change: c.3881C>T on transcript NM_020911.2 (MANE Select); coding-DNA position 3881, C replaced by T.
Protein change: p.Ala1294Val; replaces alanine 1294 with valine.
Molecular consequence: missense variant.
Genome position (GRCh38, 1-based): chr7:132,174,914, G>A on the plus strand (C>T on the coding strand, the complement: PLXNA4 is on the minus strand). VCF-style: chr7-132174914-G-A. GRCh37 (hg19) VCF-style: chr7-131859673-G-A.
Other names: c.3881C>T, p.Ala1294Val (NM_001393897.1); short protein forms A1294V.
Identifiers: ClinVar variation 3348962 (VCV003348962.1).

ClinVar aggregate classification (germline): Uncertain significance (0 of 4 stars; one submission).

Conditions:
PLXNA4-related disorder. Also called: PLXNA4-related condition.

gnomAD v4.1: 1 of 1,613,966 alleles (0.000062%); highest among the groups gnomAD compares: Non-Finnish European, 0.000085%; no homozygotes.

Submission:

PreventionGenetics, part of Exact Sciences
Classification: Uncertain significance for PLXNA4-related condition. Last evaluated: 2024-04-04. Review status: no assertion criteria provided. Collection method: clinical testing. Allele origin: germline.
Comment: The PLXNA4 c.3881C>T variant is predicted to result in the amino acid substitution p.Ala1294Val. To our knowledge, this variant has not been reported in the literature or in a large population database, indicating this variant is rare. At this time, the clinical significance of this variant is uncertain due to the absence of conclusive functional and genetic evidence.